The following is an entry in ClinVar:

NM_016341.4(PLCE1):c.6342+13G>A

Genes: NOC3L (NOC3 like DNA replication regulator; minus strand), PLCE1 (phospholipase C epsilon 1; plus strand). Cytogenetic location: 10q23.33.
Variant type: single nucleotide variant.
Coding change: c.6342+13G>A on transcript NM_016341.4 (MANE Select); 13 bases into the intron after coding-DNA position 6342, G replaced by A.
Molecular consequence: intron variant.
Genome position (GRCh38, 1-based): chr10:94,316,769, G>A. VCF-style: chr10-94316769-G-A. GRCh37 (hg19) VCF-style: chr10-96076526-G-A.
Other names: c.6294+13G>A (NM_001288989.2); c.5418+13G>A (NM_001165979.2).
Identifiers: ClinVar variation 260730 (VCV000260730.16), dbSNP rs75283731, ClinGen allele CA5613549.

ClinVar aggregate classification (germline): Benign. Review status: criteria provided, multiple submitters, no conflicts (2 of 4 stars). 4 submissions from 4 submitters: Benign (4). Last evaluated 2026-02-01.

Conditions:
Nephrotic syndrome, type 3 (NPHS3). Also called: NEPHROTIC SYNDROME, EARLY-ONSET, TYPE 3. Identifiers: Orphanet 656, MedGen C1853124, MONDO:0012546, OMIM 610725.

Allele frequency attached by ClinVar (database versions not stated): gnomAD 0.00198 and 0.00129; gnomAD exomes 0.00444 and 0.00159; 1000 Genomes Project 0.01218; TOPMed 0.00260; ExAC 0.00462; 1000 Genomes Project 30x 0.01093.
gnomAD v4.1: 2,594 of 1,582,032 alleles (0.16%); highest among the groups gnomAD compares: East Asian, 4.8%; 55 homozygotes.

Submissions (4):

Labcorp Genetics (formerly Invitae), Labcorp
Classification: Benign. Last evaluated: 2026-02-01. Review status: criteria provided, single submitter. Criteria: Invitae Variant Classification Sherloc (09022015). Collection method: clinical testing. Allele origin: germline.

GeneDx
Classification: Benign. Last evaluated: 2020-02-23. Review status: criteria provided, single submitter. Criteria: GeneDx Variant Classification Process June 2021. Collection method: clinical testing. Allele origin: germline. Affected: yes.

Illumina Laboratory Services, Illumina
Classification: Benign for Nephrotic syndrome, type 3. Last evaluated: 2018-01-12. Review status: criteria provided, single submitter. Criteria: ICSL Variant Classification Criteria 13 December 2019. Collection method: clinical testing. Allele origin: germline.
Comment: This variant was observed in the ICSL laboratory as part of a predisposition screen in an ostensibly healthy population. It had not been previously curated by ICSL or reported in the Human Gene Mutation Database (HGMD: prior to June 1st, 2018), and was therefore a candidate for classification through an automated scoring system. Utilizing variant allele frequency, disease prevalence and penetrance estimates, and inheritance mode, an automated score was calculated to assess if this variant is too frequent to cause the disease. Based on the score and internal cut-off values, a variant classified as benign is not then subjected to further curation. The score for this variant resulted in a classification of benign for this disease.

PreventionGenetics, part of Exact Sciences
Classification: Benign. Review status: criteria provided, single submitter. Criteria: ACMG Guidelines, 2015. Collection method: clinical testing. Allele origin: germline.